The following is an entry in ClinVar:

ClinVar aggregate classification (germline): Uncertain significance (1 of 4 stars; one submission).

Conditions:
Mucopolysaccharidosis, MPS-III-A (MPS3A). Also called: HEPARAN SULFATE SULFATASE DEFICIENCY; SANFILIPPO SYNDROME A; SULFAMIDASE DEFICIENCY; MPS III A; Mucopolysaccharidosis, type IIIA; MUCOPOLYSACCHARIDOSIS, TYPE IIIA, ATTENUATED. Identifiers: Orphanet 581, Orphanet 79269, MedGen C0086647, MONDO:0009655, OMIM 252900.

Allele frequency attached by ClinVar (database versions not stated): gnomAD exomes below 0.00001.
gnomAD v4.1: 1 of 1,523,428 alleles (0.000066%); highest among the groups gnomAD compares: Non-Finnish European, 0.000088%; no homozygotes.

Submission:

Labcorp Genetics (formerly Invitae), Labcorp
Classification: Uncertain significance for Mucopolysaccharidosis, MPS-III-A. Last evaluated: 2022-06-08. Review status: criteria provided, single submitter. Criteria: Invitae Variant Classification Sherloc (09022015). Collection method: clinical testing. Allele origin: germline.
Comment: This sequence change replaces arginine, which is basic and polar, with serine, which is neutral and polar, at codon 21 of the SGSH protein (p.Arg21Ser). This variant is not present in population databases (gnomAD no frequency). In summary, the available evidence is currently insufficient to determine the role of this variant in disease. Therefore, it has been classified as a Variant of Uncertain Significance. Algorithms developed to predict the effect of missense changes on protein structure and function are either unavailable or do not agree on the potential impact of this missense change (SIFT: "Tolerated"; PolyPhen-2: "Not Available"; Align-GVGD: "Class C0"). This variant has not been reported in the literature in individuals affected with SGSH-related conditions.

NM_000199.5(SGSH):c.61C>A (p.Arg21Ser)

Gene: SGSH (N-sulfoglucosamine sulfohydrolase; minus strand). Cytogenetic location: 17q25.3.
Variant type: single nucleotide variant.
Coding change: c.61C>A on transcript NM_000199.5 (MANE Select); coding-DNA position 61, C replaced by A.
Protein change: p.Arg21Ser; replaces arginine 21 with serine.
Molecular consequence: missense variant. On other transcripts: non-coding transcript variant (1).
Genome position (GRCh38, 1-based): chr17:80,220,253, G>T on the plus strand (C>A on the coding strand, the complement: SGSH is on the minus strand). VCF-style: chr17-80220253-G-T. GRCh37 (hg19) VCF-style: chr17-78194052-G-T.
Other names: c.61C>A, p.Arg21Ser (NM_001352921.3, NM_001352922.2); short protein forms R21S.
Identifiers: ClinVar variation 2108128 (VCV002108128.4), dbSNP rs1184905613, ClinGen allele CA401365508.